The following is an entry in ClinVar:

ClinVar aggregate classification (germline): Conflicting classifications of pathogenicity. Review status: criteria provided, conflicting classifications (1 of 4 stars). 2 submissions from 2 submitters: Likely pathogenic (1); Uncertain significance (1). Last evaluated 2022-08-07.

Conditions:
Hepatic methionine adenosyltransferase deficiency. Also called: MAT I/III DEFICIENCY; Deficiency of methionine adenosyltransferase; Isolated Persistent Hypermethioninemia; Methionine adenosyltransferase deficiency. Identifiers: Orphanet 168598, MedGen C0268621, MeSH C564683, MONDO:0009607, OMIM 250850.

Submissions (2):

Laboratory of Metabolic Disorders, Peking University First Hospital
Classification: Uncertain significance for Hepatic methionine adenosyltransferase deficiency. Last evaluated: 2022-08-07. Review status: criteria provided, single submitter. Criteria: ACMG Guidelines, 2015. Collection method: clinical testing. Allele origin: inherited. Affected: yes.

Juno Genomics, Hangzhou Juno Genomics, Inc
Classification: Likely pathogenic for Hepatic methionine adenosyltransferase deficiency. Review status: criteria provided, single submitter. Criteria: ACMG Guidelines, 2015. Collection method: clinical testing. Allele origin: germline. Affected: yes.
Comment: Absent from controls (or at extremely low frequency if recessive) in Genome Aggregation Database, Exome Sequencing Project, 1000 Genomes Project, or Exome Aggregation Consortium.;Multiple lines of computational evidence support a deleterious effect on the gene or gene product (conservation, evolutionary, splicing impact, etc).;Patient's phenotype or family history is highly specific for a disease with a single genetic etiology.

NM_000429.3(MAT1A):c.887A>G (p.Tyr296Cys)

Gene: MAT1A (methionine adenosyltransferase 1A; minus strand). Cytogenetic location: 10q22.3.
Variant type: single nucleotide variant.
Coding change: c.887A>G on transcript NM_000429.3 (MANE Select); coding-DNA position 887, A replaced by G.
Protein change: p.Tyr296Cys; replaces tyrosine 296 with cysteine.
Molecular consequence: missense variant.
Genome position (GRCh38, 1-based): chr10:80,275,081, T>C on the plus strand (A>G on the coding strand, the complement: MAT1A is on the minus strand). VCF-style: chr10-80275081-T-C. GRCh37 (hg19) VCF-style: chr10-82034837-T-C.
Other names: short protein forms Y296C.
Identifiers: ClinVar variation 2429437 (VCV002429437.3), dbSNP rs2492486444, ClinGen allele CA377360667.